The following is an entry in ClinVar:

ClinVar aggregate classification (germline): Pathogenic/Likely pathogenic. Review status: criteria provided, multiple submitters, no conflicts (2 of 4 stars). 6 submissions from 6 submitters: Pathogenic (4); Likely pathogenic (1). 1 of the submissions does not count toward it. Last evaluated 2025-06-26.

Conditions:
IL10RA-related disorder. Also called: IL10RA-related condition.
Inflammatory bowel disease 28. Also called: Inflammatory bowel disease 28, early onset, autosomal recessive. Identifiers: Orphanet 238569, MedGen C2751053, MONDO:0013153, OMIM 613148.

Allele frequency attached by ClinVar (database versions not stated): TOPMed 0.00006.
gnomAD v4.1: 12 of 1,613,984 alleles (0.00074%); highest among the groups gnomAD compares: East Asian, 0.013%; no homozygotes.

Submissions (6):

GeneDx
Classification: Pathogenic. Last evaluated: 2025-06-26. Review status: criteria provided, single submitter. Criteria: GeneDx Variant Classification Process June 2021. Collection method: clinical testing. Allele origin: germline. Affected: yes.
Comment: Published functional studies suggest a damaging effect via moderately reduced IL-10 stimulation and STAT3 phosphorylation (PMID: 36370291); In silico analysis supports that this missense variant has a deleterious effect on protein structure/function; This variant is associated with the following publications: (PMID: 34908808, 34490048, 34530396, 32925557, 22549091, 29755507, 29531467, 28267044, 29140941, 30199474, 30293279, 30001197, 29788474, 31889944, 30894704, 31965297, 31501239, 26503572, 32587451, 34539730, 34134972, 34032699, 31648101, 37202577, 34671977, 38163100, 31931724, 35366317, 39687875, 27177777, 23839161, 33505153, 22476154, 27699570, 30212871, 36370291)

Labcorp Genetics (formerly Invitae), Labcorp
Classification: Pathogenic for Inflammatory bowel disease 28. Last evaluated: 2024-10-29. Review status: criteria provided, single submitter. Criteria: Invitae Variant Classification Sherloc (09022015). Collection method: clinical testing. Allele origin: germline.
Comment: This sequence change replaces arginine, which is basic and polar, with tryptophan, which is neutral and slightly polar, at codon 101 of the IL10RA protein (p.Arg101Trp). This variant is present in population databases (rs368287711, gnomAD 0.02%). This missense change has been observed in individual(s) with autosomal recessive inflammatory bowel disease (PMID: 22476154, 22549091, 27699570, 28267044). In at least one individual the data is consistent with being in trans (on the opposite chromosome) from a pathogenic variant. ClinVar contains an entry for this variant (Variation ID: 39432). Invitae Evidence Modeling of protein sequence and biophysical properties (such as structural, functional, and spatial information, amino acid conservation, physicochemical variation, residue mobility, and thermodynamic stability) indicates that this missense variant is expected to disrupt IL10RA protein function with a positive predictive value of 80%. Experimental studies have shown that this missense change affects IL10RA function (PMID: 22476154). For these reasons, this variant has been classified as Pathogenic.

PreventionGenetics, part of Exact Sciences
Classification: Likely pathogenic for IL10RA-related condition. Last evaluated: 2023-06-22. Review status: criteria provided, single submitter. Criteria: ACMG Guidelines, 2015. Collection method: clinical testing. Allele origin: germline.
Comment: The IL10RA c.301C>T variant is predicted to result in the amino acid substitution p.Arg101Trp. This variant has been reported in the compound heterozygous and homozygous state in many individuals with very-early-onset inflammatory bowel disease (see, for example, Mao et al 2012. PubMed ID: 22476154; Huang et al 2017. PubMed ID: 28267044; Fang et al 2018. PubMed ID: 29531467). In vitro experimental studies suggest this variant impacts protein function (Mao et al 2012. PubMed ID: 22476154; Kotlarz et al 2012. PubMed ID: 22549091). This variant is reported in 0.027% of alleles in individuals of East Asian descent in gnomAD. This variant is interpreted as likely pathogenic.

Beijing Key Laboratry for Genetics of Birth Defects, Beijing Children's Hospital
Classification: Pathogenic for Inflammatory bowel disease 28. Last evaluated: 2020-02-28. Review status: criteria provided, single submitter. Criteria: ACMG Guidelines, 2015. Collection method: clinical testing. Allele origin: germline. Affected: yes. Observed: 1 variant allele.

Juno Genomics, Hangzhou Juno Genomics, Inc
Classification: Pathogenic for Inflammatory bowel disease 28. Review status: criteria provided, single submitter. Criteria: ACMG Guidelines, 2015. Collection method: clinical testing. Allele origin: germline. Affected: yes.
Comment: Absent from controls (or at extremely low frequency if recessive) in Genome Aggregation Database.;Well-established in vitro or in vivo functional studies supportive of a damaging effect on the gene or gene product.;For recessive disorders, detected in trans with a pathogenic variant.;Patient's phenotype or family history is highly specific for a disease with a single genetic etiology.

OMIM
Classification: Pathogenic for INFLAMMATORY BOWEL DISEASE 28. Last evaluated: 2012-07-01. Review status: no assertion criteria provided. Collection method: literature only. Allele origin: germline. Not counted in ClinVar's aggregate classification.

Literature cited by the submitters: PubMed 22476154 (cited by Labcorp Genetics (formerly Invitae), Labcorp and OMIM); PubMed 22549091 (cited by Labcorp Genetics (formerly Invitae), Labcorp); PubMed 27699570 (cited by Labcorp Genetics (formerly Invitae), Labcorp); PubMed 28267044 (cited by Labcorp Genetics (formerly Invitae), Labcorp).

NM_001558.4(IL10RA):c.301C>T (p.Arg101Trp)

Gene: IL10RA (interleukin 10 receptor subunit alpha; plus strand). Cytogenetic location: 11q23.3.
Variant type: single nucleotide variant.
Coding change: c.301C>T on transcript NM_001558.4 (MANE Select); coding-DNA position 301, C replaced by T.
Protein change: p.Arg101Trp; replaces arginine 101 with tryptophan.
Molecular consequence: missense variant. On other transcripts: non-coding transcript variant (1).
Genome position (GRCh38, 1-based): chr11:117,989,554, C>T. VCF-style: chr11-117989554-C-T. GRCh37 (hg19) VCF-style: chr11-117860269-C-T.
Other names: short protein forms R101W.
Identifiers: ClinVar variation 39432 (VCV000039432.14), dbSNP rs368287711, ClinGen allele CA130286.
Genomic context (GRCh38, chr11:117,989,554, plus strand): 5'-TATGACCTTACCGCAGTGACCTTGGACCTGTACCACAGCAATGGCTACCGGGCCAGAGTG[C>T]GGGCTGTGGACGGCAGCCGGCACTCCAACTGGACCGTCACCAACACCCGCTTCTCTGTGG-3'
Protein context (NP_001549.2, residues 91-111): YHSNGYRARV[Arg101Trp]AVDGSRHSNW